The following is an entry in ClinVar:

NM_014989.7(RIMS1):c.2617T>C (p.Ser873Pro)

Gene: RIMS1 (regulating synaptic membrane exocytosis 1; plus strand). Cytogenetic location: 6q13.
Variant type: single nucleotide variant.
Coding change: c.2617T>C on transcript NM_014989.7 (MANE Select); coding-DNA position 2617, T replaced by C.
Protein change: p.Ser873Pro; replaces serine 873 with proline.
Molecular consequence: missense variant.
Genome position (GRCh38, 1-based): chr6:72,251,287, T>C. VCF-style: chr6-72251287-T-C. GRCh37 (hg19) VCF-style: chr6-72960990-T-C.
Other names: c.1039T>C, p.Ser347Pro (NM_001168407.2, NM_001168408.2, NM_001350414.2 and 37 more transcripts); c.796T>C, p.Ser266Pro (NM_001168409.2, NM_001350461.2, NM_001350463.2 and 6 more transcripts); c.994T>C, p.Ser332Pro (NM_001168410.2, NM_001350470.2, NM_001350472.2 and 2 more transcripts); c.970T>C, p.Ser324Pro (NM_001350421.2, NM_001350424.2, NM_001350428.2 and 6 more transcripts); short protein forms S324P, S873P, S266P, S347P, S332P.
Identifiers: ClinVar variation 939847 (VCV000939847.9), dbSNP rs1170905918, ClinGen allele CA364680315.

ClinVar aggregate classification (germline): Uncertain significance (1 of 4 stars; one submission).

Allele frequency attached by ClinVar (database versions not stated): gnomAD exomes below 0.00001.
gnomAD v4.1: 5 of 1,599,256 alleles (0.00031%); highest among the groups gnomAD compares: Admixed American, 0.0017%; no homozygotes.

Submission:

Labcorp Genetics (formerly Invitae), Labcorp
Classification: Uncertain significance. Last evaluated: 2024-12-02. Review status: criteria provided, single submitter. Criteria: Invitae Variant Classification Sherloc (09022015). Collection method: clinical testing. Allele origin: germline.
Comment: This sequence change replaces serine, which is neutral and polar, with proline, which is neutral and non-polar, at codon 873 of the RIMS1 protein (p.Ser873Pro). The frequency data for this variant in the population databases is considered unreliable, as metrics indicate poor data quality at this position in the gnomAD database. This variant has not been reported in the literature in individuals affected with RIMS1-related conditions. ClinVar contains an entry for this variant (Variation ID: 939847). An algorithm developed to predict the effect of missense changes on protein structure and function (PolyPhen-2) suggests that this variant is likely to be disruptive. In summary, the available evidence is currently insufficient to determine the role of this variant in disease. Therefore, it has been classified as a Variant of Uncertain Significance.